The following is an entry in ClinVar:

NM_003108.4(SOX11):c.80T>C (p.Met27Thr)

Gene: SOX11 (SRY-box transcription factor 11; plus strand). Cytogenetic location: 2p25.2.
Variant type: single nucleotide variant.
Coding change: c.80T>C on transcript NM_003108.4 (MANE Select); coding-DNA position 80, T replaced by C.
Protein change: p.Met27Thr; replaces methionine 27 with threonine.
Molecular consequence: missense variant.
Genome position (GRCh38, 1-based): chr2:5,692,801, T>C. VCF-style: chr2-5692801-T-C. GRCh37 (hg19) VCF-style: chr2-5832933-T-C.
Other names: short protein forms M27T.
Identifiers: ClinVar variation 2507151 (VCV002507151.1), dbSNP rs1481974602, ClinGen allele CA345865881.

ClinVar aggregate classification (germline): Uncertain significance (1 of 4 stars; one submission).

Allele frequency attached by ClinVar (database versions not stated): TOPMed below 0.00001; gnomAD 0.00001.
gnomAD v4.1: 1 of 1,612,620 alleles (0.000062%); highest among the groups gnomAD compares: Non-Finnish European, 0.000085%; no homozygotes.

Submission:

GeneDx
Classification: Uncertain significance. Last evaluated: 2022-12-28. Review status: criteria provided, single submitter. Criteria: GeneDx Variant Classification Process June 2021. Collection method: clinical testing. Allele origin: germline. Affected: yes.
Comment: Not observed at significant frequency in large population cohorts (gnomAD); In silico analysis supports that this missense variant has a deleterious effect on protein structure/function; Has not been previously published as pathogenic or benign to our knowledge